The following is an entry in ClinVar:

ClinVar aggregate classification (germline): Likely benign (1 of 4 stars; one submission).

Submission:

CeGaT Center for Human Genetics Tuebingen
Classification: Likely benign. Last evaluated: 2025-01-01. Review status: criteria provided, single submitter. Criteria: CeGaT Center For Human Genetics Tuebingen Variant Classification Criteria Version 2. Collection method: clinical testing. Allele origin: germline. Affected: yes. Observed: 1 variant allele.
Comment: IQGAP1: PM2:Supporting, BP4, BP7

NM_003870.4(IQGAP1):c.2706T>C (p.Ser902=)

Gene: IQGAP1 (IQ motif containing GTPase activating protein 1; plus strand). Cytogenetic location: 15q26.1.
Variant type: single nucleotide variant.
Coding change: c.2706T>C on transcript NM_003870.4 (MANE Select); coding-DNA position 2706, T replaced by C.
Protein change: p.Ser902=; no amino-acid change (serine 902 retained).
Molecular consequence: synonymous variant.
Genome position (GRCh38, 1-based): chr15:90,474,615, T>C. VCF-style: chr15-90474615-T-C. GRCh37 (hg19) VCF-style: chr15-91017847-T-C.
Identifiers: ClinVar variation 3772014 (VCV003772014.13).